The following is an entry in ClinVar:

ClinVar aggregate classification (germline): Conflicting classifications of pathogenicity. Review status: criteria provided, conflicting classifications (1 of 4 stars). 9 submissions from 9 submitters: Uncertain significance (7); Likely benign (1). 1 of the submissions does not count toward it. Last evaluated 2026-07-01.

Conditions:
Hereditary cancer-predisposing syndrome. Also called: Hereditary neoplastic syndrome; Neoplastic Syndromes, Hereditary; Hereditary Cancer Syndrome; Tumor predisposition. Identifiers: Orphanet 140162, MedGen C0027672, MeSH D009386, MONDO:0015356.
Familial cancer of breast. Also called: Hereditary breast cancer; BREAST CANCER, FAMILIAL; hereditary breast carcinoma. Identifiers: Orphanet 227535, MedGen C0346153, MONDO:0016419, OMIM 114480. Disease mechanism: loss of function.
Ataxia-telangiectasia syndrome (AT). Also called: Ataxia-telangiectasia, complementation group D; AT, COMPLEMENTATION GROUP C; ATAXIA-TELANGIECTASIA, COMPLEMENTATION GROUP A; ATAXIA-TELANGIECTASIA, FRESNO VARIANT; Ataxia-telangiectasia; Ataxia-telangiectasia, complementation group E. Identifiers: Orphanet 100, MedGen C0004135, MONDO:0008840, OMIM 208900.

Allele frequency attached by ClinVar (database versions not stated): gnomAD exomes below 0.00001; gnomAD 0.00001; TOPMed 0.00001; 1000 Genomes Project 30x 0.00016; 1000 Genomes Project 0.00020.
gnomAD v4.1: 3 of 1,613,788 alleles (0.00019%); highest among the groups gnomAD compares: Middle Eastern, 0.017%; no homozygotes.

Submissions (9):

CeGaT Center for Human Genetics Tuebingen
Classification: Likely benign. Last evaluated: 2026-07-01. Review status: criteria provided, single submitter. Criteria: CeGaT Center For Human Genetics Tuebingen Variant Classification Criteria Version 2. Collection method: clinical testing. Allele origin: germline. Affected: yes. Observed: 1 variant allele.
Comment: ATM: BP4

Labcorp Genetics (formerly Invitae), Labcorp
Classification: Uncertain significance for Ataxia-telangiectasia syndrome. Last evaluated: 2025-12-05. Review status: criteria provided, single submitter. Criteria: Invitae Variant Classification Sherloc (09022015). Collection method: clinical testing. Allele origin: germline.
Comment: This sequence change replaces threonine, which is neutral and polar, with isoleucine, which is neutral and non-polar, at codon 1118 of the ATM protein (p.Thr1118Ile). This variant is present in population databases (rs539847847, gnomAD 0.0009%). This variant has not been reported in the literature in individuals affected with ATM-related conditions. ClinVar contains an entry for this variant (Variation ID: 407537). Invitae Evidence Modeling of protein sequence and biophysical properties (such as structural, functional, and spatial information, amino acid conservation, physicochemical variation, residue mobility, and thermodynamic stability) indicates that this missense variant is not expected to disrupt ATM protein function with a negative predictive value of 95%. In summary, the available evidence is currently insufficient to determine the role of this variant in disease. Therefore, it has been classified as a Variant of Uncertain Significance.

Ambry Genetics
Classification: Uncertain significance for Hereditary cancer-predisposing syndrome. Last evaluated: 2024-11-12. Review status: criteria provided, single submitter. Criteria: Ambry Variant Classification Scheme 2023. Collection method: clinical testing. Allele origin: germline.
Comment: The p.T1118I variant (also known as c.3353C>T), located in coding exon 22 of the ATM gene, results from a C to T substitution at nucleotide position 3353. The threonine at codon 1118 is replaced by isoleucine, an amino acid with similar properties. This amino acid position is not well conserved in available vertebrate species. In addition, this alteration is predicted to be tolerated by in silico analysis. Based on the available evidence, the clinical significance of this variant remains unclear.

Color Diagnostics, LLC DBA Color Health
Classification: Uncertain significance for Hereditary cancer-predisposing syndrome. Last evaluated: 2023-12-05. Review status: criteria provided, single submitter. Criteria: ACMG Guidelines, 2015. Collection method: clinical testing. Allele origin: germline.
Comment: This missense variant replaces threonine with isoleucine at codon 1118 of the ATM protein. Computational prediction suggests that this variant may not impact protein structure and function (internally defined REVEL score threshold <= 0.5, PMID: 27666373). To our knowledge, functional studies have not been reported for this variant. This variant has not been reported in individuals affected with ATM-related disorders in the literature. This variant has been identified in 1/250952 chromosomes in the general population by the Genome Aggregation Database (gnomAD). The available evidence is insufficient to determine the role of this variant in disease conclusively. Therefore, this variant is classified as a Variant of Uncertain Significance.

Baylor Genetics
Classification: Uncertain significance for Familial cancer of breast. Last evaluated: 2023-08-05. Review status: criteria provided, single submitter. Criteria: ACMG Guidelines, 2015. Collection method: clinical testing. Allele origin: unknown.

KCCC/NGS Laboratory, Kuwait Cancer Control Center
Classification: Uncertain significance for Familial cancer of breast. Last evaluated: 2023-05-17. Review status: criteria provided, single submitter. Criteria: ACMG Guidelines, 2015. Collection method: clinical testing. Allele origin: unknown. Inheritance: Autosomal dominant inheritance. Affected: yes.
Comment: A variant of uncertain significance was detected in the ATM gene (p.Thr1118Ile).This sequence change replaces Threonine, which is neutral and polar, with Isoleucine, which is neutral and non-polar, at codon 1118 of the ATM protein (p.Thr1118Ile). This variant is present in population databases (rs539847847, gnomAD 0.0009%). This variant has not been reported in the literature in individuals affected with ATM-related conditions. ClinVar contains an entry for this variant (Variation ID: 407537). This amino acid position is poorly conserved ( PhyloP=1.4) . In addition, this alteration is predicted to be tolerated by in silico analysis. In summary, the available evidence is currently insufficient to determine the role of this variant in disease. Therefore, it has been classified as a Variant of Uncertain Significance. Heterozygous pathogenic/likely pathogenic mutations is the ATM gene cause susceptibility to breast cancer (OMIM# 114480).

GeneDx
Classification: Uncertain significance. Last evaluated: 2020-10-21. Review status: criteria provided, single submitter. Criteria: GeneDx Variant Classification Process June 2021. Collection method: clinical testing. Allele origin: germline. Affected: yes.
Comment: Not observed at a significant frequency in large population cohorts (Lek 2016); In silico analysis supports that this missense variant does not alter protein structure/function; Has not been previously published as pathogenic or benign to our knowledge

Mendelics
Classification: Uncertain significance for Ataxia-telangiectasia syndrome. Last evaluated: 2019-05-28. Review status: criteria provided, single submitter. Criteria: Mendelics Assertion Criteria 2017. Collection method: clinical testing. Allele origin: unknown.

Natera, Inc.
Classification: Uncertain significance for Ataxia-telangiectasia. Last evaluated: 2021-05-18. Review status: no assertion criteria provided. Collection method: clinical testing. Allele origin: germline. Not counted in ClinVar's aggregate classification.

NM_000051.4(ATM):c.3353C>T (p.Thr1118Ile)

Gene: ATM (ATM serine/threonine kinase; plus strand). Cytogenetic location: 11q22.3.
Variant type: single nucleotide variant.
Coding change: c.3353C>T on transcript NM_000051.4 (MANE Select); coding-DNA position 3353, C replaced by T.
Protein change: p.Thr1118Ile; replaces threonine 1118 with isoleucine.
Molecular consequence: missense variant.
Genome position (GRCh38, 1-based): chr11:108,279,559, C>T. VCF-style: chr11-108279559-C-T. GRCh37 (hg19) VCF-style: chr11-108150286-C-T.
Other names: c.3353C>T, p.Thr1118Ile (NM_001351834.2); short protein forms T1118I.
Identifiers: ClinVar variation 407537 (VCV000407537.31), dbSNP rs539847847, ClinGen allele CA16613034.